The following is an entry in ClinVar:

ClinVar aggregate classification (germline): Uncertain significance (1 of 4 stars; one submission).

Submission:

Labcorp Genetics (formerly Invitae), Labcorp
Classification: Uncertain significance. Last evaluated: 2023-11-27. Review status: criteria provided, single submitter. Criteria: Invitae Variant Classification Sherloc (09022015). Collection method: clinical testing. Allele origin: germline.
Comment: This sequence change replaces proline, which is neutral and non-polar, with threonine, which is neutral and polar, at codon 402 of the AMH protein (p.Pro402Thr). This variant is not present in population databases (gnomAD no frequency). This variant has not been reported in the literature in individuals affected with AMH-related conditions. ClinVar contains an entry for this variant (Variation ID: 2111093). An algorithm developed to predict the effect of missense changes on protein structure and function (PolyPhen-2) suggests that this variant is likely to be disruptive. In summary, the available evidence is currently insufficient to determine the role of this variant in disease. Therefore, it has been classified as a Variant of Uncertain Significance.

NM_000479.5(AMH):c.1204C>A (p.Pro402Thr)

Gene: AMH (anti-Mullerian hormone; plus strand). Cytogenetic location: 19p13.3.
Variant type: single nucleotide variant.
Coding change: c.1204C>A on transcript NM_000479.5 (MANE Select); coding-DNA position 1204, C replaced by A.
Protein change: p.Pro402Thr; replaces proline 402 with threonine.
Molecular consequence: missense variant.
Genome position (GRCh38, 1-based): chr19:2,251,478, C>A. VCF-style: chr19-2251478-C-A. GRCh37 (hg19) VCF-style: chr19-2251477-C-A.
Other names: short protein forms P402T.
Identifiers: ClinVar variation 2111093 (VCV002111093.2), dbSNP rs2512013917, ClinGen allele CA403242389.